The following is an entry in ClinVar:

ClinVar aggregate classification (germline): Uncertain significance (1 of 4 stars; one submission).

Conditions:
Pierson syndrome. Also called: MICROCORIA-CONGENITAL NEPHROTIC SYNDROME. Identifiers: Orphanet 2670, MedGen C1836876, MONDO:0012184, OMIM 609049.
LAMB2-related infantile-onset nephrotic syndrome. Also called: NEPHROTIC SYNDROME, TYPE 5, WITHOUT OCULAR ABNORMALITIES; NEPHROTIC SYNDROME, TYPE 5, WITH OCULAR ABNORMALITIES; Nephrotic Syndrome, type 5. Identifiers: Orphanet 306507, MedGen C3280113, MONDO:0013621, OMIM 614199.

Submission:

Labcorp Genetics (formerly Invitae), Labcorp
Classification: Uncertain significance for LAMB2-related infantile-onset nephrotic syndrome; Pierson syndrome. Last evaluated: 2022-08-16. Review status: criteria provided, single submitter. Criteria: Invitae Variant Classification Sherloc (09022015). Collection method: clinical testing. Allele origin: germline.
Comment: This sequence change replaces valine, which is neutral and non-polar, with leucine, which is neutral and non-polar, at codon 755 of the LAMB2 protein (p.Val755Leu). This variant is not present in population databases (gnomAD no frequency). This variant has not been reported in the literature in individuals affected with LAMB2-related conditions. ClinVar contains an entry for this variant (Variation ID: 578984). Algorithms developed to predict the effect of missense changes on protein structure and function output the following: SIFT: "Tolerated"; PolyPhen-2: "Benign"; Align-GVGD: "Class C0". The leucine amino acid residue is found in multiple mammalian species, which suggests that this missense change does not adversely affect protein function. In summary, the available evidence is currently insufficient to determine the role of this variant in disease. Therefore, it has been classified as a Variant of Uncertain Significance.

NM_002292.4(LAMB2):c.2263G>C (p.Val755Leu)

Gene: LAMB2 (laminin subunit beta 2; minus strand). Cytogenetic location: 3p21.31.
Variant type: single nucleotide variant.
Coding change: c.2263G>C on transcript NM_002292.4 (MANE Select); coding-DNA position 2263, G replaced by C.
Protein change: p.Val755Leu; replaces valine 755 with leucine.
Molecular consequence: missense variant.
Genome position (GRCh38, 1-based): chr3:49,126,048, C>G on the plus strand (G>C on the coding strand, the complement: LAMB2 is on the minus strand). VCF-style: chr3-49126048-C-G. GRCh37 (hg19) VCF-style: chr3-49163481-C-G.
Other names: short protein forms V755L.
Identifiers: ClinVar variation 578984 (VCV000578984.3), dbSNP rs1560073886, ClinGen allele CA352725719.